The following is an entry in ClinVar:

NM_031885.5(BBS2):c.273C>T (p.Ala91=)

Gene: BBS2 (Bardet-Biedl syndrome 2; minus strand). Cytogenetic location: 16q13.
Variant type: single nucleotide variant.
Coding change: c.273C>T on transcript NM_031885.5 (MANE Select); coding-DNA position 273, C replaced by T.
Protein change: p.Ala91=; no amino-acid change (alanine 91 retained).
Molecular consequence: synonymous variant. On other transcripts: non-coding transcript variant (5).
Genome position (GRCh38, 1-based): chr16:56,514,525, G>A on the plus strand (C>T on the coding strand, the complement: BBS2 is on the minus strand). VCF-style: chr16-56514525-G-A. GRCh37 (hg19) VCF-style: chr16-56548437-G-A.
Other names: c.273C>T, p.Ala91= (NM_001377456.1).
Identifiers: ClinVar variation 3351671 (VCV003351671.2).
Genomic context (GRCh38, chr16:56,514,525, plus strand): 5'-CAAATCCGAATTATTGTAGACATCATAAGCCAAAAGATTAGTCTGTGTCCCCACTAAAAG[G>A]GCATCATAGCCAAGCTCAGGGTTCAATACGCCTGCAGTCAGACAGCTGACTGCCTGGTTA-3'
Protein context (NP_114091.4, residues 81-101): GVLNPELGYD[Ala91=]LLVGTQTNLL

ClinVar aggregate classification (germline): Conflicting classifications of pathogenicity. Review status: no assertion criteria provided (0 of 4 stars). 2 submissions from 2 submitters: Uncertain significance (1); Likely benign (1). Last evaluated 2025-05-17.

Conditions:
Bardet-Biedl syndrome 2 (BBS2). Identifiers: Orphanet 110, MedGen C2936863, MONDO:0014432, OMIM 615981.
BBS2-related disorder. Also called: BBS2-related disorders; BBS2-related condition. Identifiers: MedGen CN239228.

Submissions (2):

Natera, Inc.
Classification: Uncertain significance for Bardet-Biedl syndrome type 2. Last evaluated: 2025-05-17. Review status: no assertion criteria provided. Collection method: clinical testing. Allele origin: germline.

PreventionGenetics, part of Exact Sciences
Classification: Likely benign for BBS2-related condition. Last evaluated: 2022-05-24. Review status: no assertion criteria provided. Collection method: clinical testing. Allele origin: germline.
Comment: This variant is classified as likely benign based on ACMG/AMP sequence variant interpretation guidelines (Richards et al. 2015 PMID: 25741868, with internal and published modifications).